The following is an entry in ClinVar:

NM_182914.3(SYNE2):c.11812C>T (p.Arg3938Cys)

Gene: SYNE2 (spectrin repeat containing nuclear envelope protein 2; plus strand). Cytogenetic location: 14q23.2.
Variant type: single nucleotide variant.
Coding change: c.11812C>T on transcript NM_182914.3 (MANE Select); coding-DNA position 11812, C replaced by T.
Protein change: p.Arg3938Cys; replaces arginine 3938 with cysteine.
Molecular consequence: missense variant.
Genome position (GRCh38, 1-based): chr14:64,090,884, C>T. VCF-style: chr14-64090884-C-T. GRCh37 (hg19) VCF-style: chr14-64557602-C-T.
Other names: c.11812C>T, p.Arg3938Cys (NM_015180.6); c.11812C>T (NM_182914.2); short protein forms R3938C.
Identifiers: ClinVar variation 2896178 (VCV002896178.4), dbSNP rs763921629, ClinGen allele CA7221930.

ClinVar aggregate classification (germline): Uncertain significance. Review status: criteria provided, multiple submitters, no conflicts (2 of 4 stars). 2 submissions from 2 submitters: Uncertain significance (2). Last evaluated 2025-09-28.

Conditions:
Emery-Dreifuss muscular dystrophy 5, autosomal dominant (EDMD5). Also called: EMERY-DREIFUSS MUSCULAR DYSTROPHY 5. Identifiers: Orphanet 261, MedGen C2751805, MONDO:0013072, OMIM 612999.

Allele frequency attached by ClinVar (database versions not stated): gnomAD 0.00001; gnomAD exomes 0.00001; TOPMed 0.00001; ExAC 0.00002.
gnomAD v4.1: 18 of 1,613,828 alleles (0.0011%); highest among the groups gnomAD compares: South Asian, 0.0088%; no homozygotes.

Submissions (2):

Ambry Genetics
Classification: Uncertain significance. Last evaluated: 2025-09-28. Review status: criteria provided, single submitter. Criteria: Ambry Variant Classification Scheme 2023. Collection method: clinical testing. Allele origin: germline.

Labcorp Genetics (formerly Invitae), Labcorp
Classification: Uncertain significance for Emery-Dreifuss muscular dystrophy 5, autosomal dominant. Last evaluated: 2023-06-25. Review status: criteria provided, single submitter. Criteria: Invitae Variant Classification Sherloc (09022015). Collection method: clinical testing. Allele origin: germline.
Comment: In summary, the available evidence is currently insufficient to determine the role of this variant in disease. Therefore, it has been classified as a Variant of Uncertain Significance. Algorithms developed to predict the effect of missense changes on protein structure and function output the following: SIFT: "Not Available"; PolyPhen-2: "Benign"; Align-GVGD: "Not Available". The cysteine amino acid residue is found in multiple mammalian species, which suggests that this missense change does not adversely affect protein function. This sequence change replaces arginine, which is basic and polar, with cysteine, which is neutral and slightly polar, at codon 3938 of the SYNE2 protein (p.Arg3938Cys). This variant is present in population databases (rs763921629, gnomAD 0.007%). This variant has not been reported in the literature in individuals affected with SYNE2-related conditions.